The following is an entry in ClinVar:

ClinVar aggregate classification (germline): Uncertain significance (1 of 4 stars; one submission).

Allele frequency attached by ClinVar (database versions not stated): gnomAD exomes below 0.00001.
gnomAD v4.1: 3 of 1,496,546 alleles (0.0002%); highest among the groups gnomAD compares: Non-Finnish European, 0.000089%; no homozygotes.

Submission:

Labcorp Genetics (formerly Invitae), Labcorp
Classification: Uncertain significance. Last evaluated: 2022-03-20. Review status: criteria provided, single submitter. Criteria: Invitae Variant Classification Sherloc (09022015). Collection method: clinical testing. Allele origin: germline.
Comment: In summary, the available evidence is currently insufficient to determine the role of this variant in disease. Therefore, it has been classified as a Variant of Uncertain Significance. Experimental studies and prediction algorithms are not available or were not evaluated, and the functional significance of this variant is currently unknown. This variant has not been reported in the literature in individuals affected with RP9-related conditions. This variant is not present in population databases (gnomAD no frequency). This sequence change creates a premature translational stop signal (p.Gln44*) in the RP9 gene. It is expected to result in an absent or disrupted protein product. However, the current clinical and genetic evidence is not sufficient to establish whether loss-of-function variants in RP9 cause disease.

NM_203288.2(RP9):c.130C>T (p.Gln44Ter)

Genes: RP9 (RP9 pre-mRNA splicing factor; minus strand), LOC129998224 (ATAC-STARR-seq lymphoblastoid silent region 18089; plus strand). Cytogenetic location: 7p14.3.
Variant type: single nucleotide variant.
Coding change: c.130C>T on transcript NM_203288.2 (MANE Select); coding-DNA position 130, C replaced by T.
Protein change: p.Gln44Ter; replaces glutamine 44 with a stop codon.
Molecular consequence: nonsense.
Genome position (GRCh38, 1-based): chr7:33,109,243, G>A on the plus strand (C>T on the coding strand, the complement: RP9 is on the minus strand). VCF-style: chr7-33109243-G-A. GRCh37 (hg19) VCF-style: chr7-33148855-G-A.
Other names: short protein forms Q44*.
Identifiers: ClinVar variation 2115003 (VCV002115003.4), dbSNP rs1262090341, ClinGen allele CA367185214.